The following is an entry in ClinVar:

ClinVar aggregate classification (germline): Pathogenic (1 of 4 stars; one submission).

Conditions:
Aicardi-Goutieres syndrome 5. Identifiers: Orphanet 51, MedGen C2749659, MONDO:0013059, OMIM 612952.

Submission:

Labcorp Genetics (formerly Invitae), Labcorp
Classification: Pathogenic for Aicardi-Goutieres syndrome 5. Last evaluated: 2024-01-25. Review status: criteria provided, single submitter. Criteria: Invitae Variant Classification Sherloc (09022015). Collection method: clinical testing. Allele origin: germline.
Comment: This sequence change creates a premature translational stop signal (p.Gly404Glufs*19) in the SAMHD1 gene. It is expected to result in an absent or disrupted protein product. Loss-of-function variants in SAMHD1 are known to be pathogenic (PMID: 19525956, 22461318). This variant is not present in population databases (gnomAD no frequency). This variant has not been reported in the literature in individuals affected with SAMHD1-related conditions. For these reasons, this variant has been classified as Pathogenic.

Literature cited by the submitters: PubMed 19525956; PubMed 22461318.

NM_015474.4(SAMHD1):c.1211del (p.Gly404fs)

Gene: SAMHD1 (SAM and HD domain containing deoxynucleoside triphosphate triphosphohydrolase 1; minus strand). Cytogenetic location: 20q11.23.
Variant type: Deletion.
Coding change: c.1211del on transcript NM_015474.4 (MANE Select); coding-DNA position 1211, one base deleted (G; older notation c.1211delG).
Protein change: p.Gly404fs; shifts the reading frame from glycine 404.
Molecular consequence: frameshift variant.
Genome position (GRCh38, 1-based): chr20:36,911,277, C deleted on the plus strand (G on the coding strand, the reverse complement: SAMHD1 is on the minus strand); the first of 2 consecutive C bases (chr20:36,911,277-36,911,278); deleting either gives the same sequence. VCF-style (leftmost placement, unchanged base first): chr20-36911276-TC-T. GRCh37 (hg19) VCF-style: chr20-35539679-TC-T.
Other names: c.1211del, p.Gly404fs (NM_001363729.2, NM_001363733.2); short protein forms G404fs.
Identifiers: ClinVar variation 2711475 (VCV002711475.3), dbSNP rs2515236180, ClinGen allele CA2697547374.